The following is an entry in ClinVar:

NM_001348768.2(HECW2):c.757del (p.Ala253fs)

Gene: HECW2 (HECT, C2 and WW domain containing E3 ubiquitin protein ligase 2; minus strand). Cytogenetic location: 2q32.3.
Variant type: Deletion.
Coding change: c.757del on transcript NM_001348768.2 (MANE Select); coding-DNA position 757, one base deleted (G; older notation c.757delG).
Protein change: p.Ala253fs; shifts the reading frame from alanine 253.
Molecular consequence: frameshift variant. On other transcripts: 5 prime UTR variant (1).
Genome position (GRCh38, 1-based): chr2:196,322,605, C deleted on the plus strand (G on the coding strand, the reverse complement: HECW2 is on the minus strand). VCF-style (leftmost placement, unchanged base first): chr2-196322604-GC-G. GRCh37 (hg19) VCF-style: chr2-197187328-GC-G.
Other names: c.-211del (NM_001304840.3); c.757del, p.Ala253fs (NM_020760.4); short protein forms A253fs.
Identifiers: ClinVar variation 4070650 (VCV004070650.1).

ClinVar aggregate classification (germline): Uncertain significance (1 of 4 stars; one submission).

Submission:

GeneDx
Classification: Uncertain significance. Last evaluated: 2025-01-12. Review status: criteria provided, single submitter. Criteria: GeneDx Variant Classification Process June 2021. Collection method: clinical testing. Allele origin: germline. Affected: yes.
Comment: Frameshift variant predicted to result in protein truncation or nonsense mediated decay in a gene or region of a gene for which loss of function is not a well-established mechanism of disease; Not observed at significant frequency in large population cohorts (gnomAD); Has not been previously published as pathogenic or benign to our knowledge